The following is an entry in ClinVar:

NM_015425.6(POLR1A):c.3395G>T (p.Arg1132Leu)

Gene: POLR1A (RNA polymerase I subunit A; minus strand). Cytogenetic location: 2p11.2.
Variant type: single nucleotide variant.
Coding change: c.3395G>T on transcript NM_015425.6 (MANE Select); coding-DNA position 3395, G replaced by T.
Protein change: p.Arg1132Leu; replaces arginine 1132 with leucine.
Molecular consequence: missense variant.
Genome position (GRCh38, 1-based): chr2:86,042,066, C>A on the plus strand (G>T on the coding strand, the complement: POLR1A is on the minus strand). VCF-style: chr2-86042066-C-A. GRCh37 (hg19) VCF-style: chr2-86269189-C-A.
Other names: c.3395G>T (NM_015425.3); short protein forms R1132L.
Identifiers: ClinVar variation 1510479 (VCV001510479.7), dbSNP rs200206334, ClinGen allele CA1745776.

ClinVar aggregate classification (germline): Uncertain significance. Review status: criteria provided, multiple submitters, no conflicts (2 of 4 stars). 2 submissions from 2 submitters: Uncertain significance (2). Last evaluated 2025-04-01.

Conditions:
Inborn genetic diseases. Identifiers: MedGen C0950123, MeSH D030342.

gnomAD v4.1: 19 of 1,613,016 alleles (0.0012%); highest among the groups gnomAD compares: Non-Finnish European, 0.0014%; no homozygotes.

Submissions (2):

Labcorp Genetics (formerly Invitae), Labcorp
Classification: Uncertain significance. Last evaluated: 2025-04-01. Review status: criteria provided, single submitter. Criteria: Invitae Variant Classification Sherloc (09022015). Collection method: clinical testing. Allele origin: germline.
Comment: This sequence change replaces arginine, which is basic and polar, with leucine, which is neutral and non-polar, at codon 1132 of the POLR1A protein (p.Arg1132Leu). This variant is present in population databases (rs200206334, gnomAD 0.004%). This variant has not been reported in the literature in individuals affected with POLR1A-related conditions. ClinVar contains an entry for this variant (Variation ID: 1510479). Invitae Evidence Modeling of protein sequence and biophysical properties (such as structural, functional, and spatial information, amino acid conservation, physicochemical variation, residue mobility, and thermodynamic stability) has been performed for this missense variant. However, the output from this modeling did not meet the statistical confidence thresholds required to predict the impact of this variant on POLR1A protein function. In summary, the available evidence is currently insufficient to determine the role of this variant in disease. Therefore, it has been classified as a Variant of Uncertain Significance.

Ambry Genetics
Classification: Uncertain significance for Inborn genetic diseases. Last evaluated: 2023-12-19. Review status: criteria provided, single submitter. Criteria: Ambry Variant Classification Scheme 2023. Collection method: clinical testing. Allele origin: germline.